The following is an entry in ClinVar:

ClinVar aggregate classification (germline): Uncertain significance. Review status: criteria provided, multiple submitters, no conflicts (2 of 4 stars). 2 submissions from 2 submitters: Uncertain significance (2). Last evaluated 2025-08-01.

Conditions:
Inborn genetic diseases. Identifiers: MedGen C0950123, MeSH D030342.
H syndrome. Also called: Pigmented hypertrichosis and insulin-dependent diabetes mellitus; HISTIOCYTOSIS AND LYMPHADENOPATHY WITH OR WITHOUT CUTANEOUS, CARDIAC, AND/OR ENDOCRINE FEATURES, JOINT CONTRACTURES, AND/OR DEAFNESS; HYPERPIGMENTATION, CUTANEOUS, WITH HYPERTRICHOSIS, HEPATOSPLENOMEGALY, HEART ANOMALIES, AND HYPOGONADISM WITH OR WITHOUT HEARING LOSS; PIGMENTED HYPERTRICHOSIS WITH INSULIN-DEPENDENT DIABETES MELLITUS; ROSAI-DORFMAN DISEASE, FAMILIAL; SINUS HISTIOCYTOSIS AND MASSIVE LYMPHADENOPATHY. Identifiers: Orphanet 168569, MedGen C1864445, MONDO:0011273, OMIM 602782.

Allele frequency attached by ClinVar (database versions not stated): gnomAD exomes below 0.00001; gnomAD 0.00001; TOPMed 0.00001.
gnomAD v4.1: 3 of 1,614,060 alleles (0.00019%); highest among the groups gnomAD compares: Non-Finnish European, 0.00025%; no homozygotes.

Submissions (2):

Ambry Genetics
Classification: Uncertain significance for Inborn genetic diseases. Last evaluated: 2025-08-01. Review status: criteria provided, single submitter. Criteria: Ambry Variant Classification Scheme 2023. Collection method: clinical testing. Allele origin: germline.

Labcorp Genetics (formerly Invitae), Labcorp
Classification: Uncertain significance for H syndrome. Last evaluated: 2022-06-27. Review status: criteria provided, single submitter. Criteria: Invitae Variant Classification Sherloc (09022015). Collection method: clinical testing. Allele origin: germline.
Comment: This sequence change replaces aspartic acid, which is acidic and polar, with valine, which is neutral and non-polar, at codon 27 of the SLC29A3 protein (p.Asp27Val). This variant is present in population databases (no rsID available, gnomAD 0.0009%). This variant has not been reported in the literature in individuals affected with SLC29A3-related conditions. Algorithms developed to predict the effect of missense changes on protein structure and function are either unavailable or do not agree on the potential impact of this missense change (SIFT: "Deleterious"; PolyPhen-2: "Possibly Damaging"; Align-GVGD: "Class C0"). In summary, the available evidence is currently insufficient to determine the role of this variant in disease. Therefore, it has been classified as a Variant of Uncertain Significance.

NM_018344.6(SLC29A3):c.80A>T (p.Asp27Val)

Gene: SLC29A3 (solute carrier family 29 member 3; plus strand). Cytogenetic location: 10q22.1.
Variant type: single nucleotide variant.
Coding change: c.80A>T on transcript NM_018344.6 (MANE Select); coding-DNA position 80, A replaced by T.
Protein change: p.Asp27Val; replaces aspartic acid 27 with valine.
Molecular consequence: missense variant. On other transcripts: 5 prime UTR variant (1), non-coding transcript variant (2).
Genome position (GRCh38, 1-based): chr10:71,322,834, A>T. VCF-style: chr10-71322834-A-T. GRCh37 (hg19) VCF-style: chr10-73082591-A-T.
Other names: c.80A>T, p.Asp27Val (NM_001174098.2); c.-155A>T (NM_001363518.2); c.80A>T (NM_018344.5); short protein forms D27V.
Identifiers: ClinVar variation 1487183 (VCV001487183.4), dbSNP rs1002400369, ClinGen allele CA209389843.